The following is an entry in ClinVar:

NM_001243133.2(NLRP3):c.1246G>T (p.Val416Leu)

Gene: NLRP3 (NLR family pyrin domain containing 3; plus strand). Cytogenetic location: 1q44.
Variant type: single nucleotide variant.
Coding change: c.1246G>T on transcript NM_001243133.2 (MANE Select); coding-DNA position 1246, G replaced by T.
Protein change: p.Val416Leu; replaces valine 416 with leucine.
Molecular consequence: missense variant.
Genome position (GRCh38, 1-based): chr1:247,424,695, G>T. VCF-style: chr1-247424695-G-T. GRCh37 (hg19) VCF-style: chr1-247587997-G-T.
Other names: c.1246G>T, p.Val416Leu (NM_001079821.3, NM_001127461.3, NM_001127462.3 and 1 more transcripts); c.1252G>T, p.Val418Leu (NM_004895.5); short protein forms V418L, V416L.
Identifiers: ClinVar variation 2134582 (VCV002134582.4), dbSNP rs760600767, ClinGen allele CA1495002.

ClinVar aggregate classification (germline): Uncertain significance (1 of 4 stars; one submission).

Conditions:
Cryopyrin associated periodic syndrome (CAPS). Identifiers: Orphanet 208650, MedGen C2316212, MONDO:0016168.

Submission:

Labcorp Genetics (formerly Invitae), Labcorp
Classification: Uncertain significance for Cryopyrin associated periodic syndrome. Last evaluated: 2023-06-08. Review status: criteria provided, single submitter. Criteria: Invitae Variant Classification Sherloc (09022015). Collection method: clinical testing. Allele origin: germline.
Comment: This sequence change replaces valine, which is neutral and non-polar, with leucine, which is neutral and non-polar, at codon 418 of the NLRP3 protein (p.Val418Leu). This variant is present in population databases (rs760600767, gnomAD 0.007%). This variant has not been reported in the literature in individuals affected with NLRP3-related conditions. ClinVar contains an entry for this variant (Variation ID: 2134582). Advanced modeling of protein sequence and biophysical properties (such as structural, functional, and spatial information, amino acid conservation, physicochemical variation, residue mobility, and thermodynamic stability) has been performed at Invitae for this missense variant, however the output from this modeling did not meet the statistical confidence thresholds required to predict the impact of this variant on NLRP3 protein function. In summary, the available evidence is currently insufficient to determine the role of this variant in disease. Therefore, it has been classified as a Variant of Uncertain Significance.